The following is an entry in ClinVar:

NM_182961.4(SYNE1):c.242G>A (p.Arg81His)

Gene: SYNE1 (spectrin repeat containing nuclear envelope protein 1; minus strand). Cytogenetic location: 6q25.2.
Variant type: single nucleotide variant.
Coding change: c.242G>A on transcript NM_182961.4 (MANE Select); coding-DNA position 242, G replaced by A.
Protein change: p.Arg81His; replaces arginine 81 with histidine.
Molecular consequence: missense variant.
Genome position (GRCh38, 1-based): chr6:152,520,526, C>T on the plus strand (G>A on the coding strand, the complement: SYNE1 is on the minus strand). VCF-style: chr6-152520526-C-T. GRCh37 (hg19) VCF-style: chr6-152841661-C-T.
Other names: c.242G>A, p.Arg81His (NM_033071.5); short protein forms R81H.
Identifiers: ClinVar variation 471034 (VCV000471034.10), dbSNP rs761189574, ClinGen allele CA4059822.

ClinVar aggregate classification (germline): Uncertain significance. Review status: criteria provided, multiple submitters, no conflicts (2 of 4 stars). 2 submissions from 2 submitters: Uncertain significance (2). Last evaluated 2023-05-30.

Conditions:
Emery-Dreifuss muscular dystrophy 4, autosomal dominant (EDMD4). Also called: EMERY-DREIFUSS MUSCULAR DYSTROPHY 4 WITH VARIABLE FEATURES. Identifiers: Orphanet 261, MedGen C2751807, MONDO:0013071, OMIM 612998.
Autosomal recessive ataxia, Beauce type. Also called: SYNE1-Related Autosomal Recessive Cerebellar Ataxia; Spinocerebellar ataxia, autosomal recessive 8; ATAXIA, RECESSIVE, OF BEAUCE; SYNE1 Deficiency. Identifiers: Orphanet 88644, MedGen C1853116, MONDO:0012549, OMIM 610743.

Allele frequency attached by ClinVar (database versions not stated): gnomAD exomes 0.00002 and 0.00001; gnomAD 0.00003 and 0.00002; TOPMed below 0.00001; ExAC 0.00002.
gnomAD v4.1: 19 of 1,613,384 alleles (0.0012%); highest among the groups gnomAD compares: South Asian, 0.0077%; no homozygotes.

Submissions (2):

Revvity Omics, Revvity
Classification: Uncertain significance. Last evaluated: 2023-05-30. Review status: criteria provided, single submitter. Criteria: ACMG Guidelines, 2015. Collection method: clinical testing. Allele origin: germline.

Labcorp Genetics (formerly Invitae), Labcorp
Classification: Uncertain significance for Emery-Dreifuss muscular dystrophy 4, autosomal dominant; Autosomal recessive ataxia, Beauce type. Last evaluated: 2017-06-27. Review status: criteria provided, single submitter. Criteria: Invitae Variant Classification Sherloc (09022015). Collection method: clinical testing. Allele origin: germline.
Comment: In summary, the available evidence is currently insufficient to determine the role of this variant in disease. Therefore, it has been classified as a Variant of Uncertain Significance. Algorithms developed to predict the effect of missense changes on protein structure and function output the following: SIFT: "Tolerated"; PolyPhen-2: "Benign"; Align-GVGD: "Class C0". The histidine amino acid residue is found in multiple mammalian species, suggesting that this missense change does not adversely affect protein function. These predictions have not been confirmed by published functional studies and their clinical significance is uncertain. This variant has not been reported in the literature in individuals with SYNE1-related disease. This variant is present in population databases (rs761189574, ExAC 0.006%). This sequence change replaces arginine with histidine at codon 81 of the SYNE1 protein (p.Arg81His). The arginine residue is moderately conserved and there is a small physicochemical difference between arginine and histidine.